The following is an entry in ClinVar:

NM_000018.4(ACADVL):c.192del (p.Lys64fs)

Gene: ACADVL (acyl-CoA dehydrogenase very long chain; plus strand). Cytogenetic location: 17p13.1.
Variant type: Deletion.
Coding change: c.192del on transcript NM_000018.4 (MANE Select); coding-DNA position 192, one base deleted (A; older notation c.192delA).
Protein change: p.Lys64fs; shifts the reading frame from lysine 64.
Molecular consequence: frameshift variant. On other transcripts: 5 prime UTR variant (1), intron variant (1).
Genome position (GRCh38, 1-based): chr17:7,220,517, A deleted; the last of 6 consecutive A bases (chr17:7,220,512-7,220,517); deleting any one gives the same sequence. VCF-style (leftmost placement, unchanged base first): chr17-7220511-GA-G. GRCh37 (hg19) VCF-style: chr17-7123830-GA-G.
Other names: NM_000018.4(ACADVL):c.192del; p.Lys64fs; c.261del, p.Lys87fs (NM_001270447.2); c.-37del (NM_001270448.2); c.139-87del (NM_001033859.3); short protein forms K87fs, K64fs.
Identifiers: ClinVar variation 553583 (VCV000553583.18), dbSNP rs771055189, ClinGen allele CA8337581.

ClinVar aggregate classification (germline): Likely pathogenic. Review status: reviewed by expert panel (3 of 4 stars). 7 submissions from 7 submitters: Likely pathogenic (1). 6 of the submissions do not count toward it. Last evaluated 2022-09-23.

Conditions:
Very long chain acyl-CoA dehydrogenase deficiency (ACADVLD). Also called: VLCAD Deficiency; Very Long-Chain Acyl-Coenzyme A Dehydrogenase Deficiency. Identifiers: Orphanet 26793, MedGen C3887523, MONDO:0008723, OMIM 201475.

Submissions (7):

ClinGen ACADVL Variant Curation Expert Panel, ClinGen
Classification: Likely pathogenic for Very long chain acyl-CoA dehydrogenase deficiency. Last evaluated: 2022-09-23. Review status: reviewed by expert panel. Criteria: clingen acadvl acmg specifications v1. Collection method: curation. Allele origin: germline. Inheritance: Autosomal recessive inheritance.
Comment: The c.192del (p.Lys64fs) variant in ACADVL is a frameshift predicted to cause a premature stop codon in biologically relevant exon 3/20 leading to nonsense mediated decay in a gene in which loss-of-function is an established disease mechanism (PVS1: PMIDs 9973285, 11590124). The highest population minor allele frequency in gnomAD is 0.0001603 in the African population, which is lower than the ClinGen ACADVL Variant Curation Expert Panel threshold (<0.001) for PM2_Supporting, meeting this criterion (PM2_Supporting). At least one patient with positive newborn screen for very long chain acyl-coA dehydrogenase (VLCAD) deficiency has been reported with this variant (PMID: 26385305). The ACADVL Variant Curation Expert Panel VCEP classified the variant as likely pathogenic based on PVS1+PM2_supporting.

Laboratorio de Genetica e Diagnostico Molecular, Hospital Israelita Albert Einstein
Classification: Likely pathogenic for Very long chain acyl-CoA dehydrogenase deficiency. Last evaluated: 2026-01-23. Review status: criteria provided, single submitter. Criteria: ACMG Guidelines, 2015. Collection method: clinical testing. Allele origin: germline. Affected: yes. Not counted in ClinVar's aggregate classification.
Comment: ACMG classification criteria: PVS1 very strong, PM2 supporting

Labcorp Genetics (formerly Invitae), Labcorp
Classification: Pathogenic for Very long chain acyl-CoA dehydrogenase deficiency. Last evaluated: 2026-01-16. Review status: criteria provided, single submitter. Criteria: Invitae Variant Classification Sherloc (09022015). Collection method: clinical testing. Allele origin: germline. Not counted in ClinVar's aggregate classification.
Comment: This sequence change creates a premature translational stop signal (p.Lys64Asnfs*53) in the ACADVL gene. It is expected to result in an absent or disrupted protein product. Loss-of-function variants in ACADVL are known to be pathogenic (PMID: 9973285, 11590124). This variant is present in population databases (rs771055189, gnomAD 0.02%). This premature translational stop signal has been observed in individual(s) with a positive newborn screening result for ACADVL-related disease (PMID: 26385305). ClinVar contains an entry for this variant (Variation ID: 553583). For these reasons, this variant has been classified as Pathogenic.

ARUP Laboratories, Molecular Genetics and Genomics, ARUP Laboratories
Classification: Likely pathogenic for Very long chain acyl-CoA dehydrogenase deficiency. Last evaluated: 2024-11-15. Review status: criteria provided, single submitter. Criteria: ARUP Molecular Germline Variant Investigation Process 2024. Collection method: clinical testing. Allele origin: germline. Not counted in ClinVar's aggregate classification.
Comment: The ACADVL c.192del; p.Lys64AsnfsTer53 variant (rs771055189; ClinVar ID: 553583) is reported in the literature in an individual with a positive newborn screen for VLCAD deficiency, although it is unclear if a second pathogenic variant was identified (Miller 2015). The c.192del variant is found in the African population with an allele frequency of 0.016% (4/25,958 alleles) in the Genome Aggregation Database (v2.1.1). This variant causes a frameshift by deleting a single nucleotide, so it is predicted to result in a truncated protein or mRNA subject to nonsense-mediated decay. Based on available information, this variant is considered to be likely pathogenic. References: Miller MJ et al. Recurrent ACADVL molecular findings in individuals with a positive newborn screen for very long chain acyl-coA dehydrogenase (VLCAD) deficiency in the United States. Mol Genet Metab. 2015 Nov;116(3):139-45. PMID: 26385305.

Baylor Genetics
Classification: Likely pathogenic for Very long chain acyl-CoA dehydrogenase deficiency. Last evaluated: 2024-03-24. Review status: criteria provided, single submitter. Criteria: ACMG Guidelines, 2015. Collection method: clinical testing. Allele origin: unknown. Not counted in ClinVar's aggregate classification.

Wong Mito Lab, Molecular and Human Genetics, Baylor College of Medicine
Classification: Pathogenic for Very long chain acyl-CoA dehydrogenase deficiency. Last evaluated: 2019-11-01. Review status: criteria provided, single submitter. Criteria: ACMG Guidelines, 2015. Collection method: clinical testing. Allele origin: germline. Not counted in ClinVar's aggregate classification.
Comment: The NM_000018.3:c.192delA (NP_000009.1:p.Lys64AsnfsTer53) [GRCH38: NC_000017.11:g.7220517delA] variant in ACADVL gene is interpretated to be Pathogenic based on ACMG guidelines (PMID: 25741868). This variant has been reported. This variant meets the following evidence codes reported in the ACMG guidelines: PVS1, PS3

Counsyl
Classification: Likely pathogenic for Very long chain acyl-CoA dehydrogenase deficiency. Last evaluated: 2017-08-30. Review status: no assertion criteria provided. Collection method: clinical testing. Allele origin: unknown. Not counted in ClinVar's aggregate classification.

Literature cited by the submitters: PubMed 9973285 (cited by Labcorp Genetics (formerly Invitae), Labcorp); PubMed 11590124 (cited by Labcorp Genetics (formerly Invitae), Labcorp); PubMed 26385305 (cited by Labcorp Genetics (formerly Invitae), Labcorp and Counsyl).